The following is an entry in ClinVar:

ClinVar aggregate classification (germline): Uncertain significance (1 of 4 stars; one submission).

Submission:

Labcorp Genetics (formerly Invitae), Labcorp
Classification: Uncertain significance. Last evaluated: 2022-06-27. Review status: criteria provided, single submitter. Criteria: Invitae Variant Classification Sherloc (09022015). Collection method: clinical testing. Allele origin: germline.
Comment: This sequence change replaces glycine, which is neutral and non-polar, with glutamic acid, which is acidic and polar, at codon 1257 of the KANK1 protein (p.Gly1257Glu). This variant is not present in population databases (gnomAD no frequency). This variant has not been reported in the literature in individuals affected with KANK1-related conditions. Algorithms developed to predict the effect of missense changes on protein structure and function (SIFT, PolyPhen-2, Align-GVGD) all suggest that this variant is likely to be disruptive. In summary, the available evidence is currently insufficient to determine the role of this variant in disease. Therefore, it has been classified as a Variant of Uncertain Significance.

NM_015158.5(KANK1):c.3770G>A (p.Gly1257Glu)

Gene: KANK1 (KN motif and ankyrin repeat domains 1; plus strand). Cytogenetic location: 9p24.3.
Variant type: single nucleotide variant.
Coding change: c.3770G>A on transcript NM_015158.5 (MANE Select); coding-DNA position 3770, G replaced by A.
Protein change: p.Gly1257Glu; replaces glycine 1257 with glutamic acid.
Molecular consequence: missense variant. On other transcripts: non-coding transcript variant (1).
Genome position (GRCh38, 1-based): chr9:742,278, G>A. VCF-style: chr9-742278-G-A. GRCh37 (hg19) VCF-style: chr9-742278-G-A.
Other names: c.3770G>A, p.Gly1257Glu (NM_001256876.3, NM_001256877.3, NM_001354334.2); c.3530G>A, p.Gly1177Glu (NM_001354331.2); c.3716G>A, p.Gly1239Glu (NM_001354332.2); c.3296G>A, p.Gly1099Glu (NM_001354333.2, NM_001354335.2, NM_001354337.2 and 2 more transcripts); c.3002G>A, p.Gly1001Glu (NM_001354336.2); c.3242G>A, p.Gly1081Glu (NM_001354338.2, NM_001354340.2, NM_001354344.2); c.3056G>A, p.Gly1019Glu (NM_001354339.2, NM_001354342.2, NM_001354343.2); short protein forms G1001E, G1081E, G1257E, G1019E, G1099E, G1177E, G1239E.
Identifiers: ClinVar variation 1523575 (VCV001523575.6), dbSNP rs1233083574, ClinGen allele CA372762506.